The following is an entry in ClinVar:

NM_031942.5(CDCA7):c.1314_1319del (p.Tyr438_Lys440delinsTer)

Gene: CDCA7 (cell division cycle associated 7; plus strand). Cytogenetic location: 2q31.1.
Variant type: Deletion.
Coding change: c.1314_1319del on transcript NM_031942.5 (MANE Select); coding-DNA positions 1314 to 1319, 6 bases deleted (CTTGAA; older notation c.1314_1319delCTTGAA).
Protein change: p.Tyr438_Lys440delinsTer.
Molecular consequence: nonsense.
Genome position (GRCh38, 1-based): chr2:173,367,278-173,367,283, CTTGAA deleted; deleting any 6 consecutive bases within chr2:173,367,277-173,367,283 gives the same sequence; the c. name uses the placement nearest the transcript's 3' end. VCF-style (leftmost placement, unchanged base first): chr2-173367276-TACTTGA-T. GRCh37 (hg19) VCF-style: chr2-174232004-TACTTGA-T.
Other names: c.1077_1082del, p.Tyr359_Lys361delinsTer (NM_145810.3).
Identifiers: ClinVar variation 2431847 (VCV002431847.1), dbSNP rs2468428983, ClinGen allele CA2580064539.

ClinVar aggregate classification (germline): Uncertain significance (1 of 4 stars; one submission).

Conditions:
Immunodeficiency-centromeric instability-facial anomalies syndrome 3 (ICF3). Identifiers: Orphanet 2268, MedGen C4310799, MONDO:0014828, OMIM 616910.

Submission:

Laboratorio de Genetica e Diagnostico Molecular, Hospital Israelita Albert Einstein
Classification: Uncertain significance for Immunodeficiency-centromeric instability-facial anomalies syndrome 3. Last evaluated: 2023-01-31. Review status: criteria provided, single submitter. Criteria: ACMG Guidelines, 2015. Collection method: clinical testing. Allele origin: germline. Affected: yes. Observed: 1 variant allele.
Comment: ACMG classification criteria: PVS1 moderated, PM2 moderated